The following is an entry in ClinVar:

ClinVar aggregate classification (germline): Uncertain significance. Review status: criteria provided, multiple submitters, no conflicts (2 of 4 stars). 2 submissions from 2 submitters: Uncertain significance (2). Last evaluated 2025-08-12.

Submissions (2):

Ambry Genetics
Classification: Uncertain significance. Last evaluated: 2025-08-12. Review status: criteria provided, single submitter. Criteria: Ambry Variant Classification Scheme 2023. Collection method: clinical testing. Allele origin: germline.

Athena Diagnostics
Classification: Uncertain significance. Last evaluated: 2024-01-31. Review status: criteria provided, single submitter. Criteria: Athena Diagnostics Criteria. Collection method: clinical testing. Allele origin: unknown.
Comment: Available data are insufficient to determine the clinical significance of the variant at this time. The frequency of this variant in the general population is uninformative in assessment of its pathogenicity. Computational tools disagree on the variant's effect on normal protein function.

NM_016630.7(SPG21):c.47C>G (p.Thr16Arg)

Gene: SPG21 (SPG21 abhydrolase domain containing, maspardin; minus strand). Cytogenetic location: 15q22.31.
Variant type: single nucleotide variant.
Coding change: c.47C>G on transcript NM_016630.7 (MANE Select); coding-DNA position 47, C replaced by G.
Protein change: p.Thr16Arg; replaces threonine 16 with arginine.
Molecular consequence: missense variant.
Genome position (GRCh38, 1-based): chr15:64,983,523, G>C on the plus strand (C>G on the coding strand, the complement: SPG21 is on the minus strand). VCF-style: chr15-64983523-G-C. GRCh37 (hg19) VCF-style: chr15-65275861-G-C.
Other names: c.47C>G, p.Thr16Arg (NM_001127889.5, NM_001127890.5); short protein forms T16R.
Identifiers: ClinVar variation 3571930 (VCV003571930.2).